The following is an entry in ClinVar:

ClinVar aggregate classification (germline): Pathogenic. Review status: criteria provided, multiple submitters, no conflicts (2 of 4 stars). 2 submissions from 2 submitters: Pathogenic (2). Last evaluated 2025-06-29.

Conditions:
Thrombophilia due to protein S deficiency, autosomal recessive (THPH6). Identifiers: Orphanet 743, MedGen C3281092, MONDO:0013791, OMIM 614514. Disease mechanism: loss of function.
Thrombophilia due to protein S deficiency, autosomal dominant (THPH5). Identifiers: Orphanet 26349, Orphanet 743, MedGen C3278211, MONDO:0012868, OMIM 612336. Disease mechanism: loss of function.

Submissions (2):

Labcorp Genetics (formerly Invitae), Labcorp
Classification: Pathogenic for Thrombophilia due to protein S deficiency, autosomal recessive. Last evaluated: 2025-06-29. Review status: criteria provided, single submitter. Criteria: Invitae Variant Classification Sherloc (09022015). Collection method: clinical testing. Allele origin: germline.
Comment: This sequence change affects a donor splice site in intron 14 of the PROS1 gene. While this variant is not anticipated to result in nonsense mediated decay, it likely alters RNA splicing and results in a disrupted protein product. This variant is not present in population databases (gnomAD no frequency). Disruption of this splice site has been observed in individual(s) with clinical features of protein S deficiency (PMID: 12681974, 18954896). ClinVar contains an entry for this variant (Variation ID: 1330283). Variants that disrupt the consensus splice site are a relatively common cause of aberrant splicing (PMID: 17576681, 9536098). Algorithms developed to predict the effect of sequence changes on RNA splicing suggest that this variant may disrupt the consensus splice site. This variant disrupts a region of the PROS1 protein in which other variant(s) (p.Pro667Leu) have been determined to be pathogenic (PMID: 10790208, 20181378, 29748776, 30669159). This suggests that this is a clinically significant region of the protein, and that variants that disrupt it are likely to be disease-causing. For these reasons, this variant has been classified as Pathogenic.

MVZ Martinsried, Medicover Genetics
Classification: Pathogenic for Thrombophilia due to protein S deficiency, autosomal dominant. Last evaluated: 2021-09-08. Review status: criteria provided, single submitter. Criteria: ACGS Guidelines, 2020. Collection method: clinical testing. Allele origin: unknown. Affected: yes.

Literature cited by the submitters: PubMed 12681974 (cited by Labcorp Genetics (formerly Invitae), Labcorp); PubMed 18954896 (cited by Labcorp Genetics (formerly Invitae), Labcorp); PubMed 17576681 (cited by Labcorp Genetics (formerly Invitae), Labcorp); PubMed 9536098 (cited by Labcorp Genetics (formerly Invitae), Labcorp); PubMed 10790208 (cited by Labcorp Genetics (formerly Invitae), Labcorp); PubMed 20181378 (cited by Labcorp Genetics (formerly Invitae), Labcorp); PubMed 29748776 (cited by Labcorp Genetics (formerly Invitae), Labcorp); PubMed 30669159 (cited by Labcorp Genetics (formerly Invitae), Labcorp).

NM_000313.4(PROS1):c.1870+1G>C

Gene: PROS1 (protein S; minus strand). Cytogenetic location: 3q11.1.
Variant type: single nucleotide variant.
Coding change: c.1870+1G>C on transcript NM_000313.4 (MANE Select); the canonical splice donor site of the intron after coding-DNA position 1870, G replaced by C.
Molecular consequence: splice donor variant.
Genome position (GRCh38, 1-based): chr3:93,876,965, C>G on the plus strand (G>C on the coding strand, the complement: PROS1 is on the minus strand). VCF-style: chr3-93876965-C-G. GRCh37 (hg19) VCF-style: chr3-93595809-C-G.
Other names: c.1966+1G>C (NM_001314077.2).
Identifiers: ClinVar variation 1330283 (VCV001330283.2), dbSNP rs780859898, ClinGen allele CA353670806.
Genomic context (GRCh38, chr3:93,876,965, plus strand): 5'-AAAATATTATCGGTTTGATTAAAATATACTTTTTAAAACTGAAGAAAAAGTAAGCAGATA[C>G]CTGGAAGGCCACCCAGGTATGTGGCCACTTTTGCTTTCATTGCTTTGTCCAAGACGGCAA-3'